The following is an entry in ClinVar:

NM_002230.4(JUP):c.1330C>T (p.Arg444Cys)

Gene: JUP (junction plakoglobin; minus strand). Cytogenetic location: 17q21.2.
Variant type: single nucleotide variant.
Coding change: c.1330C>T on transcript NM_002230.4 (MANE Select); coding-DNA position 1330, C replaced by T.
Protein change: p.Arg444Cys; replaces arginine 444 with cysteine.
Molecular consequence: missense variant.
Genome position (GRCh38, 1-based): chr17:41,763,150, G>A on the plus strand (C>T on the coding strand, the complement: JUP is on the minus strand). VCF-style: chr17-41763150-G-A. GRCh37 (hg19) VCF-style: chr17-39919402-G-A.
Other names: c.1330C>T, p.Arg444Cys (NM_001352773.2, NM_001352774.2, NM_001352775.2 and 3 more transcripts); short protein forms R444C.
Identifiers: ClinVar variation 944304 (VCV000944304.10), dbSNP rs781793865, ClinGen allele CA8565233.

ClinVar aggregate classification (germline): Uncertain significance. Review status: criteria provided, multiple submitters, no conflicts (2 of 4 stars). 2 submissions from 2 submitters: Uncertain significance (2). Last evaluated 2025-12-10.

Conditions:
Cardiovascular phenotype. Identifiers: MedGen CN230736.
Arrhythmogenic right ventricular dysplasia 12. Also called: ARRHYTHMOGENIC RIGHT VENTRICULAR DYSPLASIA, FAMILIAL, 12. Identifiers: MedGen C1969081, MONDO:0012684, OMIM 611528.
Naxos disease (NXD). Also called: KERATOSIS PALMOPLANTARIS WITH ARRHYTHMOGENIC CARDIOMYOPATHY; MAL DE NAXOS; PALMOPLANTAR KERATODERMA WITH ARRHYTHMOGENIC RIGHT VENTRICULAR CARDIOMYOPATHY AND WOOLLY HAIR; CARDIOMYOPATHY, ARRHYTHMOGENIC RIGHT VENTRICULAR, WITH SKIN, HAIR, AND NAIL ABNORMALITIES; WOOLLY HAIR, PALMOPLANTAR KERATODERMA, AND CARDIAC ABNORMALITIES. Identifiers: Orphanet 34217, MedGen C1832600, MONDO:0011017, OMIM 601214.

Allele frequency attached by ClinVar (database versions not stated): TOPMed below 0.00001; gnomAD 0.00001; gnomAD exomes 0.00001 and 0.00002; ExAC 0.00002.
gnomAD v4.1: 13 of 1,614,104 alleles (0.00081%); highest among the groups gnomAD compares: East Asian, 0.0045%; no homozygotes.

Submissions (2):

Ambry Genetics
Classification: Uncertain significance for Cardiovascular phenotype. Last evaluated: 2025-12-10. Review status: criteria provided, single submitter. Criteria: Ambry Variant Classification Scheme 2023. Collection method: clinical testing. Allele origin: germline.
Comment: The p.R444C variant (also known as c.1330C>T), located in coding exon 7 of the JUP gene, results from a C to T substitution at nucleotide position 1330. The arginine at codon 444 is replaced by cysteine, an amino acid with highly dissimilar properties. This amino acid position is conserved. In addition, this alteration is predicted to be tolerated by in silico analysis. Based on the available evidence, the clinical significance of this variant remains unclear.

Labcorp Genetics (formerly Invitae), Labcorp
Classification: Uncertain significance for Arrhythmogenic right ventricular dysplasia 12; Naxos disease. Last evaluated: 2025-08-18. Review status: criteria provided, single submitter. Criteria: Invitae Variant Classification Sherloc (09022015). Collection method: clinical testing. Allele origin: germline.
Comment: This sequence change replaces arginine, which is basic and polar, with cysteine, which is neutral and slightly polar, at codon 444 of the JUP protein (p.Arg444Cys). This variant is present in population databases (rs781793865, gnomAD 0.006%). This variant has not been reported in the literature in individuals affected with JUP-related conditions. ClinVar contains an entry for this variant (Variation ID: 944304). An algorithm developed to predict the effect of missense changes on protein structure and function outputs the following: PolyPhen-2: "Probably Damaging". The cysteine amino acid residue is found in multiple mammalian species, which suggests that this missense change does not adversely affect protein function. In summary, the available evidence is currently insufficient to determine the role of this variant in disease. Therefore, it has been classified as a Variant of Uncertain Significance.